The following is an entry in ClinVar:

ClinVar aggregate classification (germline): Pathogenic/Likely pathogenic. Review status: criteria provided, multiple submitters, no conflicts (2 of 4 stars). 4 submissions from 4 submitters: Pathogenic (1); Likely pathogenic (2). 1 of the submissions does not count toward it. Last evaluated 2025-01-28.

Conditions:
Tay-Sachs disease (TSD). Also called: HEXA Disorders; HEXA DEFICIENCY; Hexosaminidase A Deficiency; GM2 gangliosidosis, type 1; Hexosaminidase alpha-subunit deficiency (variant B); Sphingolipidosis, Tay-Sachs. Identifiers: Orphanet 845, MedGen C0039373, MONDO:0010100, OMIM 272800.

Allele frequency attached by ClinVar (database versions not stated): gnomAD exomes below 0.00001; ExAC 0.00002.
gnomAD v4.1: 1 of 1,614,170 alleles (0.000062%); highest among the groups gnomAD compares: South Asian, 0.0011%; no homozygotes.

Submissions (4):

Myriad Genetics, Inc.
Classification: Likely pathogenic for Tay-Sachs disease. Last evaluated: 2025-01-28. Review status: criteria provided, single submitter. Criteria: Myriad Autosomal Dominant, Autosomal Recessive and X-Linked Classification Criteria (2023). Collection method: clinical testing. Allele origin: unknown.
Comment: NM_000520.4(HEXA):c.1511G>T(R504L) is a missense variant classified as likely pathogenic in the context of hexosaminidase A deficiency. R504L has been observed in cases with relevant disease (PMID: 22441121, 35186388). Relevant functional assessments of this variant are not available in the literature. Internal structural analysis of the variant is supportive of pathogenicity. R504L has been observed in referenced population frequency databases. In summary, NM_000520.4(HEXA):c.1511G>T(R504L) is a missense variant that has internal structural support for pathogenicity and has been observed more frequently in cases with the relevant disease than in healthy populations. Please note: this variant was assessed in the context of healthy population screening.

Natera, Inc.
Classification: Likely pathogenic for Tay-Sachs disease. Last evaluated: 2025-01-27. Review status: criteria provided, single submitter. Criteria: Natera Variant Classification Schema (03/2026). Collection method: clinical testing. Allele origin: germline.
Comment: The c.1511G>T variant in HEXA is a missense variant predicted to cause substitution of arginine to leucine at amino acid 504. This variant is rare in the general population with a frequency below the threshold expected for the associated phenotype(s). This variant has been observed in one or more individuals affected with the associated recessive disease, as either homozygous or compound heterozygous with a second variant (PMID: 22441121, 35186388). A different variant at the same position has been determined to be Pathogenic or Likely Pathogenic. Computational prediction algorithms indicate this variant is likely to affect gene or protein function. Given the available evidence, this variant is classified as Likely Pathogenic.

Labcorp Genetics (formerly Invitae), Labcorp
Classification: Pathogenic for Tay-Sachs disease. Last evaluated: 2022-11-24. Review status: criteria provided, single submitter. Criteria: Invitae Variant Classification Sherloc (09022015). Collection method: clinical testing. Allele origin: germline.
Comment: This sequence change replaces arginine, which is basic and polar, with leucine, which is neutral and non-polar, at codon 504 of the HEXA protein (p.Arg504Leu). This variant is present in population databases (rs121907955, gnomAD 0.003%). This missense change has been observed in individuals with Tay-Sachs disease (PMID: 22441121). ClinVar contains an entry for this variant (Variation ID: 555956). Advanced modeling of protein sequence and biophysical properties (such as structural, functional, and spatial information, amino acid conservation, physicochemical variation, residue mobility, and thermodynamic stability) performed at Invitae indicates that this missense variant is expected to disrupt HEXA protein function. This variant disrupts the p.Arg504 amino acid residue in HEXA. Other variant(s) that disrupt this residue have been determined to be pathogenic (PMID: 1837283, 9694901, 19091716, 25860343). This suggests that this residue is clinically significant, and that variants that disrupt this residue are likely to be disease-causing. For these reasons, this variant has been classified as Pathogenic.

Counsyl
Classification: Uncertain significance for Tay-Sachs disease. Last evaluated: 2018-01-04. Review status: no assertion criteria provided. Collection method: clinical testing. Allele origin: unknown. Not counted in ClinVar's aggregate classification.

Literature cited by the submitters: PubMed 22441121 (cited by 4 submitters); PubMed 35186388 (cited by Myriad Genetics, Inc. and Natera, Inc.); PubMed 1837283 (cited by Labcorp Genetics (formerly Invitae), Labcorp); PubMed 9694901 (cited by Labcorp Genetics (formerly Invitae), Labcorp); PubMed 19091716 (cited by Labcorp Genetics (formerly Invitae), Labcorp); PubMed 25860343 (cited by Labcorp Genetics (formerly Invitae), Labcorp).

NM_000520.6(HEXA):c.1511G>T (p.Arg504Leu)

Gene: HEXA (hexosaminidase subunit alpha; minus strand). Cytogenetic location: 15q23.
Variant type: single nucleotide variant.
Coding change: c.1511G>T on transcript NM_000520.6 (MANE Select); coding-DNA position 1511, G replaced by T.
Protein change: p.Arg504Leu; replaces arginine 504 with leucine.
Molecular consequence: missense variant. On other transcripts: non-coding transcript variant (1).
Genome position (GRCh38, 1-based): chr15:72,345,461, C>A on the plus strand (G>T on the coding strand, the complement: HEXA is on the minus strand). VCF-style: chr15-72345461-C-A. GRCh37 (hg19) VCF-style: chr15-72637802-C-A.
Other names: c.1511G>T (NM_000520.5); c.1544G>T, p.Arg515Leu (NM_001318825.2); short protein forms R504L, R515L.
Identifiers: ClinVar variation 555956 (VCV000555956.7), dbSNP rs121907955, ClinGen allele CA7644664.
Genomic context (GRCh38, chr15:72,345,461, plus strand): 5'-GGATCTGGCCTGCTCCGCCTTGCGAAGGCCCCACAGCTTGCTTACCTCAGCAATTCACAG[C>A]GGAAGTGTGACAAACGTTCATAGGCAAATGTCAGGTCAGATGTCAACTTGTTGCTCCACA-3'
Protein context (NP_000511.2, residues 494-514): TFAYERLSHF[Arg504Leu]CELLRRGVQA